The following is an entry in ClinVar:

NM_014989.7(RIMS1):c.1771A>G (p.Lys591Glu)

Gene: RIMS1 (regulating synaptic membrane exocytosis 1; plus strand). Cytogenetic location: 6q13.
Variant type: single nucleotide variant.
Coding change: c.1771A>G on transcript NM_014989.7 (MANE Select); coding-DNA position 1771, A replaced by G.
Protein change: p.Lys591Glu; replaces lysine 591 with glutamic acid.
Molecular consequence: missense variant. On other transcripts: 5 prime UTR variant (9).
Genome position (GRCh38, 1-based): chr6:72,235,642, A>G. VCF-style: chr6-72235642-A-G. GRCh37 (hg19) VCF-style: chr6-72945345-A-G.
Other names: c.193A>G, p.Lys65Glu (NM_001168407.2, NM_001168408.2, NM_001350414.2 and 37 more transcripts); c.-51A>G (NM_001168409.2, NM_001350461.2, NM_001350463.2 and 6 more transcripts); c.148A>G, p.Lys50Glu (NM_001168410.2, NM_001350470.2, NM_001350472.2 and 2 more transcripts); c.124A>G, p.Lys42Glu (NM_001350421.2, NM_001350424.2, NM_001350428.2 and 6 more transcripts); short protein forms K42E, K591E, K50E, K65E.
Identifiers: ClinVar variation 1480033 (VCV001480033.6), dbSNP rs1379766279, ClinGen allele CA364823529.

ClinVar aggregate classification (germline): Uncertain significance (1 of 4 stars; one submission).

Allele frequency attached by ClinVar (database versions not stated): gnomAD exomes below 0.00001; TOPMed below 0.00001; gnomAD 0.00001.
gnomAD v4.1: 2 of 1,610,764 alleles (0.00012%); highest among the groups gnomAD compares: Non-Finnish European, 0.000085%; no homozygotes.

Submission:

Labcorp Genetics (formerly Invitae), Labcorp
Classification: Uncertain significance. Last evaluated: 2022-06-13. Review status: criteria provided, single submitter. Criteria: Invitae Variant Classification Sherloc (09022015). Collection method: clinical testing. Allele origin: germline.
Comment: This variant has not been reported in the literature in individuals affected with RIMS1-related conditions. Algorithms developed to predict the effect of missense changes on protein structure and function are either unavailable or do not agree on the potential impact of this missense change (SIFT: "Deleterious"; PolyPhen-2: "Benign"; Align-GVGD: "Class C55"). In summary, the available evidence is currently insufficient to determine the role of this variant in disease. Therefore, it has been classified as a Variant of Uncertain Significance. The frequency data for this variant in the population databases is considered unreliable, as metrics indicate poor data quality at this position in the gnomAD database. This sequence change replaces lysine, which is basic and polar, with glutamic acid, which is acidic and polar, at codon 591 of the RIMS1 protein (p.Lys591Glu).